The following is an entry in ClinVar:

ClinVar aggregate classification (germline): Benign/Likely benign. Review status: criteria provided, multiple submitters, no conflicts (2 of 4 stars). 9 submissions from 9 submitters: Benign (2); Likely benign (4). 3 of the submissions do not count toward it. Last evaluated 2025-12-13.

Conditions:
GRIN2A-related complex neurodevelopmental disorder. Also called: GRIN2A-related disorder; GRIN2A-related condition. Identifiers: MedGen CN379781, MONDO:1060139.
Landau-Kleffner syndrome (FESD). Also called: EPILEPSY, FOCAL, WITH SPEECH DISORDER AND WITH OR WITHOUT MENTAL RETARDATION; APHASIA, ACQUIRED, WITH EPILEPSY. Identifiers: Orphanet 1945, Orphanet 725, Orphanet 98818, MedGen C0282512, MONDO:0009509, OMIM 245570.

Allele frequency attached by ClinVar (database versions not stated): ExAC 0.00018; TOPMed 0.00018; gnomAD exomes 0.00020 and 0.00033; gnomAD 0.00023 and 0.00024; ESP Exome Variant Server 0.00038.
gnomAD v4.1: 516 of 1,613,846 alleles (0.032%); highest among the groups gnomAD compares: Non-Finnish European, 0.039%; 1 homozygote.

Submissions (9):

Labcorp Genetics (formerly Invitae), Labcorp
Classification: Likely benign for Landau-Kleffner syndrome. Last evaluated: 2025-12-13. Review status: criteria provided, single submitter. Criteria: Invitae Variant Classification Sherloc (09022015). Collection method: clinical testing. Allele origin: germline.

CeGaT Center for Human Genetics Tuebingen
Classification: Likely benign. Last evaluated: 2025-07-01. Review status: criteria provided, single submitter. Criteria: CeGaT Center For Human Genetics Tuebingen Variant Classification Criteria Version 2. Collection method: clinical testing. Allele origin: germline. Affected: yes. Observed: 2 variant alleles.
Comment: GRIN2A: BP4, BP7

Blueprint Genetics
Classification: Likely benign. Last evaluated: 2024-11-05. Review status: criteria provided, single submitter. Criteria: ACMG Guidelines, 2015. Collection method: clinical testing. Allele origin: germline.

Illumina Laboratory Services, Illumina
Classification: Benign for Landau-Kleffner syndrome. Last evaluated: 2018-01-12. Review status: criteria provided, single submitter. Criteria: ICSL Variant Classification Criteria 13 December 2019. Collection method: clinical testing. Allele origin: germline.
Comment: This variant was observed in the ICSL laboratory as part of a predisposition screen in an ostensibly healthy population. It had not been previously curated by ICSL or reported in the Human Gene Mutation Database (HGMD: prior to June 1st, 2018), and was therefore a candidate for classification through an automated scoring system. Utilizing variant allele frequency, disease prevalence and penetrance estimates, and inheritance mode, an automated score was calculated to assess if this variant is too frequent to cause the disease. Based on the score and internal cut-off values, a variant classified as benign is not then subjected to further curation. The score for this variant resulted in a classification of benign for this disease.

Genetic Services Laboratory, University of Chicago
Classification: Likely benign. Last evaluated: 2016-10-06. Review status: criteria provided, single submitter. Criteria: ACMG Guidelines, 2015. Collection method: clinical testing. Allele origin: germline. Affected: no.

GeneDx
Classification: Benign. Last evaluated: 2014-06-17. Review status: criteria provided, single submitter. Criteria: GeneDx Variant Classification (06012015). Collection method: clinical testing. Allele origin: germline. Affected: yes.
Comment: This variant is considered likely benign or benign based on one or more of the following criteria: it is a conservative change, it occurs at a poorly conserved position in the protein, it is predicted to be benign by multiple in silico algorithms, and/or has population frequency not consistent with disease.

PreventionGenetics, part of Exact Sciences
Classification: Likely benign for GRIN2A-related condition. Last evaluated: 2019-05-13. Review status: no assertion criteria provided. Collection method: clinical testing. Allele origin: germline. Not counted in ClinVar's aggregate classification.
Comment: This variant is classified as likely benign based on ACMG/AMP sequence variant interpretation guidelines (Richards et al. 2015 PMID: 25741868, with internal and published modifications).

Clinical Genetics DNA and cytogenetics Diagnostics Lab, Erasmus MC, Erasmus Medical Center
Classification: Likely benign. Review status: no assertion criteria provided. Collection method: clinical testing. Allele origin: germline. Affected: yes. Study: VKGL Data-share Consensus. Not counted in ClinVar's aggregate classification.

Joint Genome Diagnostic Labs from Nijmegen and Maastricht, Radboudumc and MUMC+
Classification: Likely benign. Review status: no assertion criteria provided. Collection method: clinical testing. Allele origin: germline. Affected: yes. Study: VKGL Data-share Consensus. Not counted in ClinVar's aggregate classification.

NM_001134407.3(GRIN2A):c.2277C>T (p.Thr759=)

Gene: GRIN2A (glutamate ionotropic receptor NMDA type subunit 2A; minus strand). Cytogenetic location: 16p13.2.
Variant type: single nucleotide variant.
Coding change: c.2277C>T on transcript NM_001134407.3 (MANE Select); coding-DNA position 2277, C replaced by T.
Protein change: p.Thr759=; no amino-acid change (threonine 759 retained).
Molecular consequence: synonymous variant.
Genome position (GRCh38, 1-based): chr16:9,798,356, G>A on the plus strand (C>T on the coding strand, the complement: GRIN2A is on the minus strand). VCF-style: chr16-9798356-G-A. GRCh37 (hg19) VCF-style: chr16-9892213-G-A.
Other names: p.T759T:ACC>ACT; c.2277C>T, p.Thr759= (NM_000833.5, NM_001134408.2).
Identifiers: ClinVar variation 205642 (VCV000205642.49), dbSNP rs148846694, ClinGen allele CA314921.